The following is an entry in ClinVar:

ClinVar aggregate classification (germline): Uncertain significance. Review status: criteria provided, single submitter (1 of 4 stars). 2 submissions from 1 submitter: Uncertain significance (1). 1 of the submissions does not count toward it. Last evaluated 2022-12-17.

Allele frequency attached by ClinVar (database versions not stated): gnomAD exomes below 0.00001; ExAC 0.00001; gnomAD 0.00001 and 0.00002; TOPMed 0.00001.
gnomAD v4.1: 23 of 1,613,598 alleles (0.0014%); highest among the groups gnomAD compares: Middle Eastern, 0.082%; no homozygotes.

Submissions (2):

Dubai Health Genomic Medicine Center, Dubai Health
Classification: Uncertain significance. Last evaluated: 2022-12-17. Review status: criteria provided, single submitter. Criteria: ACMG Guidelines, 2015. Collection method: clinical testing. Allele origin: germline. Affected: yes.

Dubai Health Genomic Medicine Center, Dubai Health
Classification: Uncertain significance. Last evaluated: 2020-10-06. Review status: flagged submission. Criteria: ACMG Guidelines, 2015. Collection method: clinical testing. Allele origin: germline. Affected: yes. Not counted in ClinVar's aggregate classification.
Comment: The c.53-8C>A intronic variant in TOM1 has not been previously reported in affected individuals but was identified in 1/16256 African alleles in the Genome Aggregation Database (gnomAD). This variant is located in the 3' splice region. Computational tools suggest a possible impact to splicing though this information is not predictive enough to confirm pathogenicity. In summary additional information is needed to fully assess its clinical significance.
ClinVar note: Reason: This record appears to be redundant with a more recent record from the same submitter.
ClinVar note: Notes: SCV001984108 appears to be redundant with SCV002774977.

NM_005488.3(TOM1):c.53-8C>A

Gene: TOM1 (target of myb1 membrane trafficking protein; plus strand). Cytogenetic location: 22q12.3.
Variant type: single nucleotide variant.
Coding change: c.53-8C>A on transcript NM_005488.3 (MANE Select); 8 bases into the intron before coding-DNA position 53, C replaced by A.
Molecular consequence: intron variant.
Genome position (GRCh38, 1-based): chr22:35,317,869, C>A. VCF-style: chr22-35317869-C-A. GRCh37 (hg19) VCF-style: chr22-35713862-C-A.
Other names: c.-47-8C>A (NM_001135729.2); c.53-8C>A (NM_001135732.2, NM_001135730.2).
Identifiers: ClinVar variation 1301579 (VCV001301579.3), dbSNP rs555423294, ClinGen allele CA10203936.
Genomic context (GRCh38, chr22:35,317,869, plus strand): 5'-CCACCCACGGTTTGAGTTTACCCATTCAGGACCCCCTCATGACTTTATGACTCCTGGTTT[C>A]TTCTCAGAGAAAGCCACAGATGGCTCCCTGCAGAGCGAGGACTGGGCCCTCAACATGGAG-3'